The following is an entry in ClinVar:

ClinVar aggregate classification (germline): Likely pathogenic (1 of 4 stars; one submission).

Conditions:
Choroideremia. Also called: Chorioretinal scalloped atrophy. Identifiers: Orphanet 180, MedGen C0008525, MONDO:0010557, OMIM 303100, HP:0001139.

Submission:

Myriad Genetics, Inc.
Classification: Likely pathogenic for Choroideremia. Last evaluated: 2022-01-23. Review status: criteria provided, single submitter. Criteria: Myriad Women's Health Autosomal Recessive and X-Linked Classification Criteria (2021). Collection method: clinical testing. Allele origin: unknown.
Comment: NM_000390.2(CHM):c.82_83delTC(S28Kfs*10) is expected to be pathogenic in the context of choroideremia. This variant is predicted to lead to an abnormal or absent protein product due to the creation of a premature termination codon in CHM, a gene where loss-of-function variants are known to be pathogenic. Please note: this variant was assessed in the context of healthy population screening.

NM_000390.4(CHM):c.82_83del (p.Ser28fs)

Gene: CHM (CHM Rab escort protein; minus strand). Cytogenetic location: Xq21.2.
Variant type: Deletion.
Coding change: c.82_83del on transcript NM_000390.4 (MANE Select); coding-DNA positions 82 to 83, 2 bases deleted (TC; older notation c.82_83delTC).
Protein change: p.Ser28fs; shifts the reading frame from serine 28.
Molecular consequence: frameshift variant. On other transcripts: 5 prime UTR variant (4).
Genome position (GRCh38, 1-based): chrX:86,027,524-86,027,525, GA deleted on the plus strand (TC on the coding strand, the reverse complement: CHM is on the minus strand). VCF-style (leftmost placement, unchanged base first): chrX-86027523-TGA-T. GRCh37 (hg19) VCF-style: chrX-85282527-TGA-T.
Other names: c.82_83del, p.Ser28fs (NM_001145414.4); c.-363_-362del (NM_001320959.1, NM_001362517.1); c.-359_-358del (NM_001362518.2, NM_001362519.1); short protein forms S28fs.
Identifiers: ClinVar variation 1724007 (VCV001724007.2), dbSNP rs2520865940, ClinGen allele CA2580102031.